The following is an entry in ClinVar:

NM_000426.4(LAMA2):c.1107del (p.Gly370fs)

Gene: LAMA2 (laminin subunit alpha 2; plus strand). Cytogenetic location: 6q22.33.
Variant type: Deletion.
Coding change: c.1107del on transcript NM_000426.4 (MANE Select); coding-DNA position 1107, one base deleted (T; older notation c.1107delT).
Protein change: p.Gly370fs; shifts the reading frame from glycine 370.
Molecular consequence: frameshift variant.
Genome position (GRCh38, 1-based): chr6:129,154,584, T deleted. VCF-style (leftmost placement, unchanged base first): chr6-129154583-GT-G. GRCh37 (hg19) VCF-style: chr6-129475728-GT-G.
Other names: c.1107del, p.Gly370fs (NM_001079823.2); short protein forms G370fs.
Identifiers: ClinVar variation 5015037 (VCV005015037.1).
Genomic context (GRCh38, chr6:129,154,583, plus strand): 5'-AAGCTGAAGAATGCTATTATGATGAAAATGTTGCCAGAAGAAATCTGAGTTTGAATATAC[GT>G]GGAAAGTACATTGGAGGGGGTGTCTGCATTAATTGTACCCAAAACACTGCTGGTATAAAC-3'

ClinVar aggregate classification (germline): Pathogenic (1 of 4 stars; one submission).

Conditions:
LAMA2-related muscular dystrophy (LAMA2-RD). Also called: Laminin alpha 2-related dystrophy. Identifiers: MedGen C5679788, MONDO:0100228.

Submission:

Myriad Genetics, Inc.
Classification: Pathogenic for LAMA2-related muscular dystrophy. Last evaluated: 2025-09-30. Review status: criteria provided, single submitter. Criteria: Myriad Autosomal Dominant, Autosomal Recessive and X-Linked Classification Criteria (2023). Collection method: clinical testing. Allele origin: unknown.
Comment: NM_000426.3(LAMA2):c.1107delT(G370Efs*19) is expected to be pathogenic in the context of muscular dystrophy, LAMA2-related. This variant is predicted to lead to an abnormal or absent protein product due to the creation of a premature termination codon in LAMA2, a gene where loss-of-function variants are known to be pathogenic. Please note: this variant was assessed in the context of healthy population screening.